The following is an entry in ClinVar:

NM_000368.5(TSC1):c.914-11T>C

Gene: TSC1 (TSC complex subunit 1; minus strand). Cytogenetic location: 9q34.13.
Variant type: single nucleotide variant.
Coding change: c.914-11T>C on transcript NM_000368.5 (MANE Select); 11 bases into the intron before coding-DNA position 914, T replaced by C.
Molecular consequence: intron variant.
Genome position (GRCh38, 1-based): chr9:132,911,579, A>G on the plus strand (T>C on the coding strand, the complement: TSC1 is on the minus strand). VCF-style: chr9-132911579-A-G. GRCh37 (hg19) VCF-style: chr9-135786966-A-G.
Other names: c.551-11T>C (NM_001362177.2); c.761-11T>C (NM_001162427.2); c.914-11T>C (NM_001162426.2).
Identifiers: ClinVar variation 1592186 (VCV001592186.10), dbSNP rs745979259, ClinGen allele CA039523.
Genomic context (GRCh38, chr9:132,911,579, plus strand): 5'-ATTTAACAACATCAGCCGAGACGTGGAGTAAGGGGTAGAAGTAGCACACCCTAAAATGGA[A>G]GAGAAGAACACAGGGGGTTAGTGTGTGGTTTTAGGTTATTCTGGTTAAAAAAAAAAAAAA-3'

ClinVar aggregate classification (germline): Likely benign. Review status: criteria provided, multiple submitters, no conflicts (2 of 4 stars). 3 submissions from 3 submitters: Likely benign (3). Last evaluated 2025-06-16.

Conditions:
Tuberous sclerosis 1 (TSC1). Identifiers: Orphanet 805, MedGen C1854465, MONDO:0008612, OMIM 191100.
Tuberous sclerosis syndrome (TSC). Also called: Tuberous Sclerosis Complex; Tuberous sclerosis. Identifiers: Orphanet 805, MedGen C0041341, MONDO:0001734.

Allele frequency attached by ClinVar (database versions not stated): gnomAD exomes below 0.00001; TOPMed below 0.00001; ExAC 0.00001.
gnomAD v4.1: 2 of 1,419,022 alleles (0.00014%); highest among the groups gnomAD compares: Non-Finnish European, 0.0002%; no homozygotes.

Submissions (3):

Labcorp Genetics (formerly Invitae), Labcorp
Classification: Likely benign for Tuberous sclerosis 1. Last evaluated: 2025-06-16. Review status: criteria provided, single submitter. Criteria: Invitae Variant Classification Sherloc (09022015). Collection method: clinical testing. Allele origin: germline.

Myriad Genetics, Inc.
Classification: Likely benign for Tuberous sclerosis 1. Last evaluated: 2025-04-09. Review status: criteria provided, single submitter. Criteria: Myriad Autosomal Dominant, Autosomal Recessive and X-Linked Classification Criteria (2023). Collection method: clinical testing. Allele origin: unknown.
Comment: This variant is considered likely benign. This variant is intronic and is not expected to impact mRNA splicing.

Color Diagnostics, LLC DBA Color Health
Classification: Likely benign for Tuberous sclerosis syndrome. Last evaluated: 2022-05-26. Review status: criteria provided, single submitter. Criteria: ACMG Guidelines, 2015. Collection method: clinical testing. Allele origin: germline.